The following is an entry in ClinVar:

NM_006420.3(ARFGEF2):c.1822G>C (p.Asp608His)

Gene: ARFGEF2 (ARF guanine nucleotide exchange factor 2; plus strand). Cytogenetic location: 20q13.13.
Variant type: single nucleotide variant.
Coding change: c.1822G>C on transcript NM_006420.3 (MANE Select); coding-DNA position 1822, G replaced by C.
Protein change: p.Asp608His; replaces aspartic acid 608 with histidine.
Molecular consequence: missense variant.
Genome position (GRCh38, 1-based): chr20:48,976,063, G>C. VCF-style: chr20-48976063-G-C. GRCh37 (hg19) VCF-style: chr20-47592600-G-C.
Other names: c.1819G>C, p.Asp607His (NM_001410846.1); short protein forms D607H, D608H.
Identifiers: ClinVar variation 1915732 (VCV001915732.3), dbSNP rs202211324, ClinGen allele CA9898488.
Genomic context (GRCh38, chr20:48,976,063, plus strand): 5'-TGTTTCTCCGCAGGTCAGGAGAGGCTCACGGATCAGGAAATAGGGGATGGGAAAGGCCTT[G>C]ACATGGCAAGACGGTGTAGTGTGACGTCCATGGAGTCCACAGTGTCCTCGGGGACCCAGA-3'
Protein context (NP_006411.2, residues 598-618): DQEIGDGKGL[Asp608His]MARRCSVTSM

ClinVar aggregate classification (germline): Uncertain significance. Review status: criteria provided, multiple submitters, no conflicts (2 of 4 stars). 2 submissions from 2 submitters: Uncertain significance (2). Last evaluated 2026-08-06.

Conditions:
Periventricular heterotopia with microcephaly, autosomal recessive (ARPHM). Also called: PERIVENTRICULAR NODULAR HETEROTOPIA 2; Periventricular heterotopia with microcephaly. Identifiers: Orphanet 2149, MedGen C1842563, MONDO:0011966, OMIM 608097.

Allele frequency attached by ClinVar (database versions not stated): TOPMed 0.00001.
gnomAD v4.1: 17 of 1,612,862 alleles (0.0011%); highest among the groups gnomAD compares: Middle Eastern, 0.019%; no homozygotes.

Submissions (2):

OLLIN Analises Genomicas, OLLIN
Classification: Uncertain significance for Periventricular heterotopia with microcephaly, autosomal recessive. Last evaluated: 2026-08-06. Review status: criteria provided, single submitter. Criteria: ACMG Guidelines 2015 PMID 25741868. Collection method: clinical testing. Allele origin: germline.
Comment: This missense variant, located in exon 14 (of 39), has been reported in ClinVar (accession VCV001915732.2) and in gnomAD with an allele frequency of 0.00105%. However, to our knowledge, it has not been reported in the scientific literature. In silico analysis predicts that this variant has a tolerated effect. According to the currently available evidence, this variant has been classified as uncertain significance (PM2_P, BP4_M).

Labcorp Genetics (formerly Invitae), Labcorp
Classification: Uncertain significance. Last evaluated: 2022-07-14. Review status: criteria provided, single submitter. Criteria: Invitae Variant Classification Sherloc (09022015). Collection method: clinical testing. Allele origin: germline.
Comment: This sequence change replaces aspartic acid, which is acidic and polar, with histidine, which is basic and polar, at codon 608 of the ARFGEF2 protein (p.Asp608His). This variant is present in population databases (rs202211324, gnomAD 0.007%). This variant has not been reported in the literature in individuals affected with ARFGEF2-related conditions. Algorithms developed to predict the effect of missense changes on protein structure and function (SIFT, PolyPhen-2, Align-GVGD) all suggest that this variant is likely to be tolerated. In summary, the available evidence is currently insufficient to determine the role of this variant in disease. Therefore, it has been classified as a Variant of Uncertain Significance.